The following is an entry in ClinVar:

ClinVar aggregate classification (germline): Uncertain significance (1 of 4 stars; one submission).

Conditions:
Cardiovascular phenotype. Identifiers: MedGen CN230736.

gnomAD v4.1: 5 of 1,605,834 alleles (0.00031%); highest among the groups gnomAD compares: Non-Finnish European, 0.00025%; no homozygotes.

Submission:

Ambry Genetics
Classification: Uncertain significance for Cardiovascular phenotype. Last evaluated: 2024-03-30. Review status: criteria provided, single submitter. Criteria: Ambry Variant Classification Scheme 2023. Collection method: clinical testing. Allele origin: germline.
Comment: The p.A88D variant (also known as c.263C>A), located in coding exon 2 of the JUP gene, results from a C to A substitution at nucleotide position 263. The alanine at codon 88 is replaced by aspartic acid, an amino acid with dissimilar properties. This amino acid position is conserved. In addition, this alteration is predicted to be deleterious by in silico analysis. Based on the available evidence, the clinical significance of this alteration remains unclear.

NM_002230.4(JUP):c.263C>A (p.Ala88Asp)

Gene: JUP (junction plakoglobin; minus strand). Cytogenetic location: 17q21.2.
Variant type: single nucleotide variant.
Coding change: c.263C>A on transcript NM_002230.4 (MANE Select); coding-DNA position 263, C replaced by A.
Protein change: p.Ala88Asp; replaces alanine 88 with aspartic acid.
Molecular consequence: missense variant.
Genome position (GRCh38, 1-based): chr17:41,769,623, G>T on the plus strand (C>A on the coding strand, the complement: JUP is on the minus strand). VCF-style: chr17-41769623-G-T. GRCh37 (hg19) VCF-style: chr17-39925875-G-T.
Other names: c.263C>A, p.Ala88Asp (NM_001352773.2, NM_001352774.2, NM_001352775.2 and 3 more transcripts); short protein forms A88D.
Identifiers: ClinVar variation 3287287 (VCV003287287.1).